The following is an entry in ClinVar:

NM_000158.4(GBE1):c.1861_1875CTT[2]TTCATTTTCTTTTTTTTTTTTTTTTTTTTNNNNNNNNNNTGTTAGCCAGGATGGTCTCGATCTCCTGACCTCGTGATCCGCCCGCCTCGGCCTCCCAAAGTGCTGGGATTACAGGCGTGAGCCACCGCGCCCGGCCTTCTTTTCATTTTC[1] (p.Asn626delinsPhePhePhePhePhePheXaaXaaXaaXaaCysTer)

Gene: GBE1 (1,4-alpha-glucan branching enzyme 1; minus strand). Cytogenetic location: 3p12.2.
Variant type: Insertion.
Coding change: c.1861_1875CTT[2]TTCATTTTCTTTTTTTTTTTTTTTTTTTTNNNNNNNNNNTGTTAGCCAGGATGGTCTCGATCTCCTGACCTCGTGATCCGCCCGCCTCGGCCTCCCAAAGTGCTGGGATTACAGGCGTGAGCCACCGCGCCCGGCCTTCTTTTCATTTTC[1] on transcript NM_000158.4 (MANE Select).
Protein change: p.Asn626delinsPhePhePhePhePhePheXaaXaaXaaXaaCysTer.
Molecular consequence: nonsense.
Genome position: GRCh38: chr3:81,535,268-81,535,269. GRCh37 (hg19): chr3:81,584,419-81,584,420.
Identifiers: ClinVar variation 1452840 (VCV001452840.6), dbSNP rs2106869587.

ClinVar aggregate classification (germline): Pathogenic (1 of 4 stars; one submission).

Conditions:
Glycogen storage disease IV, classic hepatic. Also called: GSD IV, CLASSIC HEPATIC. Identifiers: MedGen C1856301.
Glycogen storage disease, type IV (GSD4). Also called: Glycogen storage disease due to glycogen branching enzyme deficiency; AMYLOPECTINOSIS; ANDERSEN DISEASE; BRANCHER DEFICIENCY; CIRRHOSIS, FAMILIAL, WITH DEPOSITION OF ABNORMAL GLYCOGEN; GBE1 DEFICIENCY. Identifiers: Orphanet 367, MedGen C0017923, MONDO:0009292, OMIM 232500.

Submission:

Labcorp Genetics (formerly Invitae), Labcorp
Classification: Pathogenic for Glycogen storage disease, type IV; Glycogen storage disease IV, classic hepatic. Last evaluated: 2021-08-02. Review status: criteria provided, single submitter. Criteria: Invitae Variant Classification Sherloc (09022015). Collection method: clinical testing. Allele origin: germline.
Comment: For these reasons, this variant has been classified as Pathogenic. This sequence change inserts a large fragment of DNA, likely a transposable element, in exon 14 of the GBE1 gene (c.1875_1876ins?), causing a frameshift at codon 626 (p.Asn626fs). The exact size and sequence of the insertion cannot be determined by the current assay. However, the insertion is expected to result in an absent or disrupted protein product. This variant is not present in population databases (ExAC no frequency). This variant has not been reported in the literature in individuals with GBE1-related conditions. Retrotransposon insertions including LINE1 (L1), Alu, and SVA (SINE-VNTR-Alu) have been reported to be disease-causing through disruption of either a coding region or splice site (PMID: 19763152, 20307669, 22406018) and loss-of-function variants in GBE1 are known to be pathogenic (PMID: 15452297, 20058079).

Literature cited by the submitters: PubMed 19763152; PubMed 20307669; PubMed 22406018; PubMed 15452297; PubMed 20058079.